The following is an entry in ClinVar:

ClinVar aggregate classification (germline): Uncertain significance (1 of 4 stars; one submission).

Submission:

Labcorp Genetics (formerly Invitae), Labcorp
Classification: Uncertain significance. Last evaluated: 2025-03-26. Review status: criteria provided, single submitter. Criteria: Invitae Variant Classification Sherloc (09022015). Collection method: clinical testing. Allele origin: germline.
Comment: This sequence change falls in intron 6 of the TRPV6 gene. It does not directly change the encoded amino acid sequence of the TRPV6 protein. It affects a nucleotide within the consensus splice site. This variant is not present in population databases (gnomAD no frequency). This variant has not been reported in the literature in individuals affected with TRPV6-related conditions. Variants that disrupt the consensus splice site are a relatively common cause of aberrant splicing (PMID: 17576681, 9536098). Algorithms developed to predict the effect of sequence changes on RNA splicing suggest that this variant may disrupt the consensus splice site. In summary, the available evidence is currently insufficient to determine the role of this variant in disease. Therefore, it has been classified as a Variant of Uncertain Significance.

Literature cited by the submitters: PubMed 17576681; PubMed 9536098.

NM_018646.6(TRPV6):c.882+5G>A

Gene: TRPV6 (transient receptor potential cation channel subfamily V member 6; minus strand). Cytogenetic location: 7q34.
Variant type: single nucleotide variant.
Coding change: c.882+5G>A on transcript NM_018646.6 (MANE Select); 5 bases into the intron after coding-DNA position 882, G replaced by A.
Molecular consequence: intron variant.
Genome position (GRCh38, 1-based): chr7:142,876,403, C>T on the plus strand (G>A on the coding strand, the complement: TRPV6 is on the minus strand). VCF-style: chr7-142876403-C-T. GRCh37 (hg19) VCF-style: chr7-142574156-C-T.
Identifiers: ClinVar variation 4715971 (VCV004715971.1).